The following is an entry in ClinVar:

NM_001378452.1(ITPR1):c.4492A>G (p.Thr1498Ala)

Gene: ITPR1 (inositol 1,4,5-trisphosphate receptor type 1; plus strand). Cytogenetic location: 3p26.1.
Variant type: single nucleotide variant.
Coding change: c.4492A>G on transcript NM_001378452.1 (MANE Select); coding-DNA position 4492, A replaced by G.
Protein change: p.Thr1498Ala; replaces threonine 1498 with alanine.
Molecular consequence: missense variant.
Genome position (GRCh38, 1-based): chr3:4,699,897, A>G. VCF-style: chr3-4699897-A-G. GRCh37 (hg19) VCF-style: chr3-4741581-A-G.
Other names: c.4465A>G, p.Thr1489Ala (NM_001099952.4); c.4447A>G, p.Thr1483Ala (NM_001168272.2); c.4420A>G, p.Thr1474Ala (NM_002222.7); short protein forms T1474A, T1483A, T1489A, T1498A.
Identifiers: ClinVar variation 2444848 (VCV002444848.2), dbSNP rs1270567373, ClinGen allele CA351633235.
Genomic context (GRCh38, chr3:4,699,897, plus strand): 5'-AAACATGCAGACTCGATTTTGGAGAAGTATGTCACCGAAATCGTCATGAGTATTGTTACT[A>G]CTTTCTTCAGCTCTCCCTTCTCAGACCAGAGTACGACTTTGCAGGTAAGAAATAACCAAC-3'
Protein context (NP_001365381.1, residues 1488-1508): VTEIVMSIVT[Thr1498Ala]FFSSPFSDQS

ClinVar aggregate classification (germline): Uncertain significance. Review status: criteria provided, multiple submitters, no conflicts (2 of 4 stars). 2 submissions from 2 submitters: Uncertain significance (2). Last evaluated 2025-09-01.

Conditions:
Inborn genetic diseases. Identifiers: MedGen C0950123, MeSH D030342.

Allele frequency attached by ClinVar (database versions not stated): gnomAD exomes below 0.00001.
gnomAD v4.1: 6 of 1,613,736 alleles (0.00037%); highest among the groups gnomAD compares: Non-Finnish European, 0.00051%; no homozygotes.

Submissions (2):

Ambry Genetics
Classification: Uncertain significance for Inborn genetic diseases. Last evaluated: 2025-09-01. Review status: criteria provided, single submitter. Criteria: Ambry Variant Classification Scheme 2023. Collection method: clinical testing. Allele origin: germline.

GeneDx
Classification: Uncertain significance. Last evaluated: 2022-09-14. Review status: criteria provided, single submitter. Criteria: GeneDx Variant Classification Process June 2021. Collection method: clinical testing. Allele origin: germline. Affected: yes.
Comment: In silico analysis supports that this missense variant does not alter protein structure/function; Has not been previously published as pathogenic or benign to our knowledge